The following is an entry in ClinVar:

ClinVar aggregate classification (germline): Uncertain significance (1 of 4 stars; one submission).

Submission:

Labcorp Genetics (formerly Invitae), Labcorp
Classification: Uncertain significance. Last evaluated: 2025-07-13. Review status: criteria provided, single submitter. Criteria: Invitae Variant Classification Sherloc (09022015). Collection method: clinical testing. Allele origin: germline.
Comment: This sequence change replaces lysine, which is basic and polar, with asparagine, which is neutral and polar, at codon 535 of the MYLK3 protein (p.Lys535Asn). This variant is not present in population databases (gnomAD no frequency). This variant has not been reported in the literature in individuals affected with MYLK3-related conditions. An algorithm developed to predict the effect of missense changes on protein structure and function (PolyPhen-2) suggests that this variant is likely to be disruptive. In summary, the available evidence is currently insufficient to determine the role of this variant in disease. Therefore, it has been classified as a Variant of Uncertain Significance.

NM_182493.3(MYLK3):c.1605G>T (p.Lys535Asn)

Gene: MYLK3 (myosin light chain kinase 3; minus strand). Cytogenetic location: 16q11.2.
Variant type: single nucleotide variant.
Coding change: c.1605G>T on transcript NM_182493.3 (MANE Select); coding-DNA position 1605, G replaced by T.
Protein change: p.Lys535Asn; replaces lysine 535 with asparagine.
Molecular consequence: missense variant.
Genome position (GRCh38, 1-based): chr16:46,729,651, C>A on the plus strand (G>T on the coding strand, the complement: MYLK3 is on the minus strand). VCF-style: chr16-46729651-C-A. GRCh37 (hg19) VCF-style: chr16-46763563-C-A.
Other names: c.582G>T, p.Lys194Asn (NM_001308301.1); short protein forms K535N, K194N.
Identifiers: ClinVar variation 4720752 (VCV004720752.1).
Genomic context (GRCh38, chr16:46,729,651, plus strand): 5'-CACCCGGTCCTTGGCGCTCTTCACTTTGATGATCTTGGCAGCCAGTGGGAGGCCTGTGGA[C>A]TTCTCTGTGCACCTGTGGACCTGGCCAAACCGACCCCTGCAGAGACATAGCCACACGGCA-3'
Protein context (NP_872299.2, residues 525-545): RFGQVHRCTE[Lys535Asn]STGLPLAAKI